The following is an entry in ClinVar:

ClinVar aggregate classification (germline): Conflicting classifications of pathogenicity. Review status: criteria provided, conflicting classifications (1 of 4 stars). 4 submissions from 4 submitters: Uncertain significance (1); Likely benign (1). 2 of the submissions do not count toward it. Last evaluated 2025-12-23.

Conditions:
PRF1-related disorder. Also called: PRF1-related condition.
Familial hemophagocytic lymphohistiocytosis 2 (FHL2). Also called: PRF1-Related Familial Hemophagocytic Lymphohistiocytosis (PRF1-fHLH). Identifiers: Orphanet 540, MedGen C1863727, MONDO:0011337, OMIM 603553.

Allele frequency attached by ClinVar (database versions not stated): gnomAD exomes 0.00004 and 0.00007; ExAC 0.00011; 1000 Genomes Project 0.00020; ESP Exome Variant Server 0.00023; TOPMed 0.00029; 1000 Genomes Project 30x 0.00031; gnomAD 0.00035.

Submissions (4):

Labcorp Genetics (formerly Invitae), Labcorp
Classification: Likely benign for Familial hemophagocytic lymphohistiocytosis 2. Last evaluated: 2025-12-23. Review status: criteria provided, single submitter. Criteria: Invitae Variant Classification Sherloc (09022015). Collection method: clinical testing. Allele origin: germline.

Illumina Laboratory Services, Illumina
Classification: Uncertain significance for Familial hemophagocytic lymphohistiocytosis 2. Last evaluated: 2018-01-13. Review status: criteria provided, single submitter. Criteria: ICSL Variant Classification Criteria 13 December 2019. Collection method: clinical testing. Allele origin: germline.

Genetic Services Laboratory, University of Chicago
Classification: Likely benign. Last evaluated: 2022-12-14. Review status: no assertion criteria provided. Collection method: clinical testing. Allele origin: germline. Affected: no. Not counted in ClinVar's aggregate classification.

PreventionGenetics, part of Exact Sciences
Classification: Likely benign for PRF1-related condition. Last evaluated: 2019-11-25. Review status: no assertion criteria provided. Collection method: clinical testing. Allele origin: germline. Not counted in ClinVar's aggregate classification.
Comment: This variant is classified as likely benign based on ACMG/AMP sequence variant interpretation guidelines (Richards et al. 2015 PMID: 25741868, with internal and published modifications).

NM_001083116.3(PRF1):c.1140G>A (p.Pro380=)

Gene: PRF1 (perforin 1; minus strand). Cytogenetic location: 10q22.1.
Variant type: single nucleotide variant.
Coding change: c.1140G>A on transcript NM_001083116.3 (MANE Select); coding-DNA position 1140, G replaced by A.
Protein change: p.Pro380=; no amino-acid change (proline 380 retained).
Molecular consequence: synonymous variant.
Genome position (GRCh38, 1-based): chr10:70,598,581, C>T on the plus strand (G>A on the coding strand, the complement: PRF1 is on the minus strand). VCF-style: chr10-70598581-C-T. GRCh37 (hg19) VCF-style: chr10-72358337-C-T.
Other names: c.1140G>A, p.Pro380= (NM_005041.6).
Identifiers: ClinVar variation 723839 (VCV000723839.18), dbSNP rs144926997, ClinGen allele CA5538816.